The following is an entry in ClinVar:

NM_001205293.3(CACNA1E):c.57G>A (p.Ser19=)

Gene: CACNA1E (calcium voltage-gated channel subunit alpha1 E; plus strand). Cytogenetic location: 1q25.3.
Variant type: single nucleotide variant.
Coding change: c.57G>A on transcript NM_001205293.3 (MANE Select); coding-DNA position 57, G replaced by A.
Protein change: p.Ser19=; no amino-acid change (serine 19 retained).
Molecular consequence: synonymous variant.
Genome position (GRCh38, 1-based): chr1:181,483,801, G>A. VCF-style: chr1-181483801-G-A. GRCh37 (hg19) VCF-style: chr1-181452937-G-A.
Other names: c.57G>A, p.Ser19= (NM_000721.4, NM_001205294.2).
Identifiers: ClinVar variation 767734 (VCV000767734.17), dbSNP rs370950694, ClinGen allele CA1274819.

ClinVar aggregate classification (germline): Benign/Likely benign. Review status: criteria provided, multiple submitters, no conflicts (2 of 4 stars). 7 submissions from 7 submitters: Benign (4); Likely benign (3). Last evaluated 2026-09-01.

Conditions:
Developmental and epileptic encephalopathy, 69. Also called: EPILEPTIC ENCEPHALOPATHY, EARLY INFANTILE, 69. Identifiers: MedGen C4748988, MONDO:0032657, OMIM 618285.

Allele frequency attached by ClinVar (database versions not stated): gnomAD exomes 0.00017 and 0.00048; ExAC 0.00060; gnomAD 0.00160 and 0.00174; ESP Exome Variant Server 0.00168; 1000 Genomes Project 30x 0.00187; TOPMed 0.00192; 1000 Genomes Project 0.00200.

Submissions (7):

CeGaT Center for Human Genetics Tuebingen
Classification: Likely benign. Last evaluated: 2026-09-01. Review status: criteria provided, single submitter. Criteria: CeGaT Center For Human Genetics Tuebingen Variant Classification Criteria Version 2. Collection method: clinical testing. Allele origin: germline. Affected: yes. Observed: 1 variant allele.
Comment: CACNA1E: BP4, BP7, BS1

Labcorp Genetics (formerly Invitae), Labcorp
Classification: Benign. Last evaluated: 2026-01-28. Review status: criteria provided, single submitter. Criteria: Invitae Variant Classification Sherloc (09022015). Collection method: clinical testing. Allele origin: germline.

Blueprint Genetics
Classification: Likely benign. Last evaluated: 2024-10-18. Review status: criteria provided, single submitter. Criteria: ACMG Guidelines, 2015. Collection method: clinical testing. Allele origin: germline.

Genome-Nilou Lab
Classification: Benign for Developmental and epileptic encephalopathy, 69. Last evaluated: 2023-04-11. Review status: criteria provided, single submitter. Criteria: ACMG Guidelines, 2015. Collection method: clinical testing. Allele origin: germline. Affected: no.

Fulgent Genetics
Classification: Likely benign for Developmental and epileptic encephalopathy, 69. Last evaluated: 2022-05-17. Review status: criteria provided, single submitter. Criteria: ACMG Guidelines, 2015. Collection method: clinical testing. Allele origin: unknown.

GeneDx
Classification: Benign. Last evaluated: 2021-04-26. Review status: criteria provided, single submitter. Criteria: GeneDx Variant Classification Process June 2021. Collection method: clinical testing. Allele origin: germline. Affected: yes.

Breakthrough Genomics
Classification: Benign. Review status: criteria provided, single submitter. Criteria: ACMG Guidelines, 2015. Collection method: not provided. Allele origin: germline. Inheritance: Autosomal dominant inheritance. Affected: yes.